The following is an entry in ClinVar:

NM_004360.5(CDH1):c.228A>C (p.Lys76Asn)

Gene: CDH1 (cadherin 1; plus strand). Cytogenetic location: 16q22.1.
Variant type: single nucleotide variant.
Coding change: c.228A>C on transcript NM_004360.5 (MANE Select); coding-DNA position 228, A replaced by C.
Protein change: p.Lys76Asn; replaces lysine 76 with asparagine.
Molecular consequence: missense variant. On other transcripts: 5 prime UTR variant (2).
Genome position (GRCh38, 1-based): chr16:68,801,734, A>C. VCF-style: chr16-68801734-A-C. GRCh37 (hg19) VCF-style: chr16-68835637-A-C.
Other names: c.228A>C, p.Lys76Asn (NM_001317184.2); c.-1388A>C (NM_001317185.2); c.-1592A>C (NM_001317186.2); short protein forms K76N.
Identifiers: ClinVar variation 821038 (VCV000821038.6), dbSNP rs1260273251, ClinGen allele CA396457199.

ClinVar aggregate classification (germline): Conflicting classifications of pathogenicity. Review status: criteria provided, conflicting classifications (1 of 4 stars). 2 submissions from 2 submitters: Uncertain significance (1); Likely benign (1). Last evaluated 2026-06-03.

Conditions:
Hereditary cancer-predisposing syndrome. Also called: Tumor predisposition; Neoplastic Syndromes, Hereditary; Hereditary neoplastic syndrome; Hereditary Cancer Syndrome. Identifiers: Orphanet 140162, MedGen C0027672, MeSH D009386, MONDO:0015356.
Hereditary diffuse gastric adenocarcinoma (HDGC). Also called: DIFFUSE GASTRIC AND LOBULAR BREAST CANCER SYNDROME. Identifiers: Orphanet 26106, MedGen C1708349, MONDO:0007648, OMIM 137215.

Allele frequency attached by ClinVar (database versions not stated): gnomAD exomes below 0.00001.

Submissions (2):

Ambry Genetics
Classification: Likely benign for Hereditary cancer-predisposing syndrome. Last evaluated: 2026-06-03. Review status: criteria provided, single submitter. Criteria: Ambry Variant Classification Scheme 2023. Collection method: clinical testing. Allele origin: germline.

Labcorp Genetics (formerly Invitae), Labcorp
Classification: Uncertain significance for Hereditary diffuse gastric adenocarcinoma. Last evaluated: 2025-12-24. Review status: criteria provided, single submitter. Criteria: Invitae Variant Classification Sherloc (09022015). Collection method: clinical testing. Allele origin: germline.
Comment: This sequence change replaces lysine, which is basic and polar, with asparagine, which is neutral and polar, at codon 76 of the CDH1 protein (p.Lys76Asn). This variant is present in population databases (no rsID available, gnomAD 0.0009%). This variant has not been reported in the literature in individuals affected with CDH1-related conditions. ClinVar contains an entry for this variant (Variation ID: 821038). An algorithm developed to predict the effect of missense changes on protein structure and function outputs the following: PolyPhen-2: "Benign". The asparagine amino acid residue is found in multiple mammalian species, which suggests that this missense change does not adversely affect protein function. In summary, the available evidence is currently insufficient to determine the role of this variant in disease. Therefore, it has been classified as a Variant of Uncertain Significance.